The following is an entry in ClinVar:

ClinVar aggregate classification (germline): Pathogenic (1 of 4 stars; one submission).

Conditions:
GNPTG-mucolipidosis. Also called: ML III GAMMA; ML IIIC; MUCOLIPIDOSIS III, COMPLEMENTATION GROUP C; MUCOLIPIDOSIS III, IRANIAN VARIANT FORM; MUCOLIPIDOSIS III, VARIANT FORM; Mucolipidosis type III gamma. Identifiers: Orphanet 423470, Orphanet 577, MedGen C1854896, MONDO:0009652, OMIM 252605.

Submission:

Myriad Genetics, Inc.
Classification: Pathogenic for GNPTG-mucolipidosis. Last evaluated: 2025-10-28. Review status: criteria provided, single submitter. Criteria: Myriad Autosomal Dominant, Autosomal Recessive and X-Linked Classification Criteria (2023). Collection method: clinical testing. Allele origin: unknown.
Comment: NM_032520.4(GNPTG):c.416_417delAG(E139Afs*59) is expected to be pathogenic in the context of mucolipidosis III gamma. This variant is predicted to lead to an abnormal or absent protein product due to the creation of a premature termination codon in GNPTG, a gene where loss-of-function variants are known to be pathogenic. Please note: this variant was assessed in the context of healthy population screening.

NM_032520.5(GNPTG):c.416_417del (p.Glu139fs)

Gene: GNPTG (N-acetylglucosamine-1-phosphate transferase subunit gamma; plus strand). Cytogenetic location: 16p13.3.
Variant type: Deletion.
Coding change: c.416_417del on transcript NM_032520.5 (MANE Select); coding-DNA positions 416 to 417, 2 bases deleted (AG; older notation c.416_417delAG).
Protein change: p.Glu139fs; shifts the reading frame from glutamic acid 139.
Molecular consequence: frameshift variant.
Genome position (GRCh38, 1-based): chr16:1,362,210-1,362,211, AG deleted; deleting any 2 consecutive bases within chr16:1,362,209-1,362,211 gives the same sequence; the c. name uses the placement nearest the transcript's 3' end. VCF-style (leftmost placement, unchanged base first): chr16-1362208-GGA-G. GRCh37 (hg19) VCF-style: chr16-1412209-GGA-G.
Other names: short protein forms E139fs.
Identifiers: ClinVar variation 5015148 (VCV005015148.1).